The following is an entry in ClinVar:

NM_002644.4(PIGR):c.1138A>G (p.Ser380Gly)

Gene: PIGR (polymeric immunoglobulin receptor; minus strand). Cytogenetic location: 1q32.1.
Variant type: single nucleotide variant.
Coding change: c.1138A>G on transcript NM_002644.4 (MANE Select); coding-DNA position 1138, A replaced by G.
Protein change: p.Ser380Gly; replaces serine 380 with glycine.
Molecular consequence: missense variant.
Genome position (GRCh38, 1-based): chr1:206,935,726, T>C on the plus strand (A>G on the coding strand, the complement: PIGR is on the minus strand). VCF-style: chr1-206935726-T-C. GRCh37 (hg19) VCF-style: chr1-207109071-T-C.
Other names: short protein forms S380G.
Identifiers: ClinVar variation 2639866 (VCV002639866.24), dbSNP rs35112874, ClinGen allele CA1365214.

ClinVar aggregate classification (germline): Likely benign (1 of 4 stars; one submission).

Allele frequency attached by ClinVar (database versions not stated): 1000 Genomes Project 30x 0.00016; 1000 Genomes Project 0.00020; gnomAD 0.00032; TOPMed 0.00036; ESP Exome Variant Server 0.00038; gnomAD exomes 0.00048; ExAC 0.00056.
gnomAD v4.1: 757 of 1,614,086 alleles (0.047%); highest among the groups gnomAD compares: Non-Finnish European, 0.058%; no homozygotes.

Submission:

CeGaT Center for Human Genetics Tuebingen
Classification: Likely benign. Last evaluated: 2022-10-01. Review status: criteria provided, single submitter. Criteria: CeGaT Center For Human Genetics Tuebingen Variant Classification Criteria Version 2. Collection method: clinical testing. Allele origin: germline. Affected: yes. Observed: 1 variant allele.
Comment: PIGR: BP4